The following is an entry in ClinVar:

NM_133433.4(NIPBL):c.879A>C (p.Pro293=)

Gene: NIPBL (NIPBL cohesin loading factor; plus strand). Cytogenetic location: 5p13.2.
Variant type: single nucleotide variant.
Coding change: c.879A>C on transcript NM_133433.4 (MANE Select); coding-DNA position 879, A replaced by C.
Protein change: p.Pro293=; no amino-acid change (proline 293 retained).
Molecular consequence: synonymous variant.
Genome position (GRCh38, 1-based): chr5:36,975,786, A>C. VCF-style: chr5-36975786-A-C. GRCh37 (hg19) VCF-style: chr5-36975888-A-C.
Other names: c.879A>C, p.Pro293= (NM_015384.5).
Identifiers: ClinVar variation 3703051 (VCV003703051.4).

ClinVar aggregate classification (germline): Likely benign. Review status: criteria provided, multiple submitters, no conflicts (2 of 4 stars). 3 submissions from 3 submitters: Likely benign (3). Last evaluated 2026-09-01.

Conditions:
Cornelia de Lange syndrome 1 (CDLS1). Also called: Brachmann de Lange syndrome; NIPBL-Related Cornelia de Lange Syndrome; TYPUS DEGENERATIVUS AMSTELODAMENSIS. Identifiers: Orphanet 199, MedGen C4551851, MONDO:0007387, OMIM 122470.

gnomAD v4.1: 5 of 1,613,654 alleles (0.00031%); highest among the groups gnomAD compares: Admixed American, 0.0083%; no homozygotes.

Submissions (3):

CeGaT Center for Human Genetics Tuebingen
Classification: Likely benign. Last evaluated: 2026-09-01. Review status: criteria provided, single submitter. Criteria: CeGaT Center For Human Genetics Tuebingen Variant Classification Criteria Version 2. Collection method: clinical testing. Allele origin: germline. Affected: yes. Observed: 1 variant allele.
Comment: NIPBL: BP4, BP7

Women's Health and Genetics/Laboratory Corporation of America, LabCorp
Classification: Likely benign. Last evaluated: 2026-06-29. Review status: criteria provided, single submitter. Criteria: LabCorp Variant Classification Summary - May 2015. Collection method: clinical testing. Allele origin: germline.

Labcorp Genetics (formerly Invitae), Labcorp
Classification: Likely benign for Cornelia de Lange syndrome 1. Last evaluated: 2024-07-17. Review status: criteria provided, single submitter. Criteria: Invitae Variant Classification Sherloc (09022015). Collection method: clinical testing. Allele origin: germline.